The following is an entry in ClinVar:

NM_170675.5(MEIS2):c.1061G>A (p.Ser354Asn)

Gene: MEIS2 (Meis homeobox 2; minus strand). Cytogenetic location: 15q14.
Variant type: single nucleotide variant.
Coding change: c.1061G>A on transcript NM_170675.5 (MANE Select); coding-DNA position 1061, G replaced by A.
Protein change: p.Ser354Asn; replaces serine 354 with asparagine.
Molecular consequence: missense variant. On other transcripts: non-coding transcript variant (1).
Genome position (GRCh38, 1-based): chr15:36,895,237, C>T on the plus strand (G>A on the coding strand, the complement: MEIS2 is on the minus strand). VCF-style: chr15-36895237-C-T. GRCh37 (hg19) VCF-style: chr15-37187438-C-T.
Other names: c.1040G>A, p.Ser347Asn (NM_001220482.2, NM_170674.5, NM_170676.5); c.1001G>A, p.Ser334Asn (NM_002399.4); c.1061G>A, p.Ser354Asn (NM_170677.5); c.1022G>A, p.Ser341Asn (NM_172315.3); c.776G>A, p.Ser259Asn (NM_172316.3); c.1061G>A (NM_170675.3); short protein forms S354N, S259N, S334N, S341N, S347N.
Identifiers: ClinVar variation 1878354 (VCV001878354.3), dbSNP rs1172909836, ClinGen allele CA391926787.

ClinVar aggregate classification (germline): Uncertain significance. Review status: criteria provided, multiple submitters, no conflicts (2 of 4 stars). 3 submissions from 3 submitters: Uncertain significance (3). Last evaluated 2026-08-06.

Conditions:
Inborn genetic diseases. Identifiers: MedGen C0950123, MeSH D030342.
Cardiac malformation, cleft lip/palate, microcephaly, and digital anomalies. Also called: CLEFT PALATE, CARDIAC DEFECTS, AND IMPAIRED INTELLECTUAL DEVELOPMENT. Identifiers: MedGen C1832950, MONDO:0010970, OMIM 600987.

Allele frequency attached by ClinVar (database versions not stated): gnomAD exomes below 0.00001; TOPMed below 0.00001.
gnomAD v4.1: 1 of 1,614,128 alleles (0.000062%); highest among the groups gnomAD compares: Non-Finnish European, 0.000085%; no homozygotes.

Submissions (3):

OLLIN Analises Genomicas, OLLIN
Classification: Uncertain significance for Cardiac malformation, cleft lip/palate, microcephaly, and digital anomalies. Last evaluated: 2026-08-06. Review status: criteria provided, single submitter. Criteria: ACMG Guidelines 2015 PMID 25741868. Collection method: clinical testing. Allele origin: germline. Inheritance: Autosomal dominant inheritance.
Comment: This missense variant, located in exon 11 (of 12), has been reported in ClinVar (accession VCV001878354.1) and in gnomAD with an allele frequency of 0.000062%. However, to our knowledge, it has not been reported in the scientific literature. In silico analysis is inconclusive regarding the impact of this variant. This variant is located in a region considered to be a mutational hotspot. This gene is constrained for missense variation. According to the currently available evidence, this variant has been classified as uncertain significance (PM1, PM2_P, PP2).

Ambry Genetics
Classification: Uncertain significance for Inborn genetic diseases. Last evaluated: 2026-08-03. Review status: criteria provided, single submitter. Criteria: Ambry Variant Classification Scheme 2023. Collection method: clinical testing. Allele origin: germline.

Women's Health and Genetics/Laboratory Corporation of America, LabCorp
Classification: Uncertain significance. Last evaluated: 2022-12-02. Review status: criteria provided, single submitter. Criteria: LabCorp Variant Classification Summary - May 2015. Collection method: clinical testing. Allele origin: germline.
Comment: Variant summary: MEIS2 c.1040G>A (p.Ser347Asn) results in a conservative amino acid change in the encoded protein sequence. Two of three in-silico tools predict a damaging effect of the variant on protein function. The variant was absent in 250928 control chromosomes (gnomAD). The available data on variant occurrences in the general population are insufficient to allow any conclusion about variant significance. To our knowledge, no occurrence of c.1040G>A in individuals affected with Cardiac Malformation, Cleft Lip/palate, Microcephaly, And Digital Anomalies and no experimental evidence demonstrating its impact on protein function have been reported. No clinical diagnostic laboratories have submitted clinical-significance assessments for this variant to ClinVar after 2014. Based on the evidence outlined above, the variant was classified as uncertain significance.